The following is an entry in ClinVar:

ClinVar aggregate classification (germline): Uncertain significance. Review status: criteria provided, multiple submitters, no conflicts (2 of 4 stars). 2 submissions from 2 submitters: Uncertain significance (2). Last evaluated 2022-07-06.

Allele frequency attached by ClinVar (database versions not stated): gnomAD exomes below 0.00001; TOPMed below 0.00001; ExAC 0.00001.
gnomAD v4.1: 2 of 1,613,680 alleles (0.00012%); highest among the groups gnomAD compares: Non-Finnish European, 0.00017%; no homozygotes.

Submissions (2):

Labcorp Genetics (formerly Invitae), Labcorp
Classification: Uncertain significance. Last evaluated: 2022-07-06. Review status: criteria provided, single submitter. Criteria: Invitae Variant Classification Sherloc (09022015). Collection method: clinical testing. Allele origin: germline.
Comment: This sequence change replaces aspartic acid, which is acidic and polar, with valine, which is neutral and non-polar, at codon 4429 of the FAT4 protein (p.Asp4429Val). This variant is present in population databases (rs774943740, gnomAD 0.0009%). This variant has not been reported in the literature in individuals affected with FAT4-related conditions. ClinVar contains an entry for this variant (Variation ID: 425339). Advanced modeling of protein sequence and biophysical properties (such as structural, functional, and spatial information, amino acid conservation, physicochemical variation, residue mobility, and thermodynamic stability) performed at Invitae indicates that this missense variant is not expected to disrupt FAT4 protein function. Algorithms developed to predict the effect of sequence changes on RNA splicing suggest that this variant may create or strengthen a splice site. In summary, the available evidence is currently insufficient to determine the role of this variant in disease. Therefore, it has been classified as a Variant of Uncertain Significance.

CeGaT Center for Human Genetics Tuebingen
Classification: Uncertain significance. Last evaluated: 2016-11-01. Review status: criteria provided, single submitter. Criteria: CeGaT Center For Human Genetics Tuebingen Variant Classification Criteria Version 2. Collection method: clinical testing. Allele origin: germline. Affected: yes. Observed: 1 variant allele.

NM_001291303.3(FAT4):c.13292A>T (p.Asp4431Val)

Gene: FAT4 (FAT atypical cadherin 4; plus strand). Cytogenetic location: 4q28.1.
Variant type: single nucleotide variant.
Coding change: c.13292A>T on transcript NM_001291303.3 (MANE Select); coding-DNA position 13292, A replaced by T.
Protein change: p.Asp4431Val; replaces aspartic acid 4431 with valine.
Molecular consequence: missense variant.
Genome position (GRCh38, 1-based): chr4:125,490,108, A>T. VCF-style: chr4-125490108-A-T. GRCh37 (hg19) VCF-style: chr4-126411263-A-T.
Other names: c.13289A>T, p.Asp4430Val (NM_001291285.3); c.13286A>T, p.Asp4429Val (NM_024582.6); short protein forms D4431V, D4429V, D4430V.
Identifiers: ClinVar variation 425339 (VCV000425339.46), dbSNP rs774943740, ClinGen allele CA3074339.